The following is an entry in ClinVar:

NM_001017420.3(ESCO2):c.1522A>G (p.Ile508Val)

Gene: ESCO2 (establishment of sister chromatid cohesion N-acetyltransferase 2; plus strand). Cytogenetic location: 8p21.1.
Variant type: single nucleotide variant.
Coding change: c.1522A>G on transcript NM_001017420.3 (MANE Select); coding-DNA position 1522, A replaced by G.
Protein change: p.Ile508Val; replaces isoleucine 508 with valine.
Molecular consequence: missense variant.
Genome position (GRCh38, 1-based): chr8:27,799,565, A>G. VCF-style: chr8-27799565-A-G. GRCh37 (hg19) VCF-style: chr8-27657082-A-G.
Other names: short protein forms I508V.
Identifiers: ClinVar variation 362742 (VCV000362742.16), dbSNP rs114956994, ClinGen allele CA4692342.

ClinVar aggregate classification (germline): Benign. Review status: criteria provided, multiple submitters, no conflicts (2 of 4 stars). 5 submissions from 5 submitters: Benign (4). 1 of the submissions does not count toward it. Last evaluated 2026-02-01.

Conditions:
Roberts-SC phocomelia syndrome (RBS). Also called: LONG BONE DEFICIENCIES ASSOCIATED WITH CLEFT LIP-PALATE; Hypomelia hypotrichosis facial hemangioma syndrome; ESCO2 Spectrum Disorder; Pseudothalidomide syndrome; Appelt-Gerken-Lenz syndrome. Identifiers: Orphanet 3103, MedGen C0392475, MONDO:0100253, OMIM 268300.

Allele frequency attached by ClinVar (database versions not stated): gnomAD exomes 0.00565; ExAC 0.00644; ESP Exome Variant Server 0.01353; gnomAD 0.01467 and 0.01512; TOPMed 0.01591; 1000 Genomes Project 30x 0.01952; 1000 Genomes Project 0.02057.
gnomAD v4.1: 6,112 of 1,613,920 alleles (0.38%); highest among the groups gnomAD compares: African/African-American, 4.4%; 115 homozygotes.

Submissions (5):

Labcorp Genetics (formerly Invitae), Labcorp
Classification: Benign. Last evaluated: 2026-02-01. Review status: criteria provided, single submitter. Criteria: Invitae Variant Classification Sherloc (09022015). Collection method: clinical testing. Allele origin: germline.

GeneDx
Classification: Benign. Last evaluated: 2018-01-18. Review status: criteria provided, single submitter. Criteria: GeneDx Variant Classification (06012015). Collection method: clinical testing. Allele origin: germline. Affected: yes.
Comment: This variant is considered likely benign or benign based on one or more of the following criteria: it is a conservative change, it occurs at a poorly conserved position in the protein, it is predicted to be benign by multiple in silico algorithms, and/or has population frequency not consistent with disease.

Illumina Laboratory Services, Illumina
Classification: Benign for Roberts-SC phocomelia syndrome. Last evaluated: 2018-01-13. Review status: criteria provided, single submitter. Criteria: ICSL Variant Classification Criteria 13 December 2019. Collection method: clinical testing. Allele origin: germline.
Comment: This variant was observed in the ICSL laboratory as part of a predisposition screen in an ostensibly healthy population. It had not been previously curated by ICSL or reported in the Human Gene Mutation Database (HGMD: prior to June 1st, 2018), and was therefore a candidate for classification through an automated scoring system. Utilizing variant allele frequency, disease prevalence and penetrance estimates, and inheritance mode, an automated score was calculated to assess if this variant is too frequent to cause the disease. Based on the score and internal cut-off values, a variant classified as benign is not then subjected to further curation. The score for this variant resulted in a classification of benign for this disease.

Breakthrough Genomics
Classification: Benign. Review status: criteria provided, single submitter. Criteria: ACMG Guidelines, 2015. Collection method: not provided. Allele origin: germline. Inheritance: Autosomal recessive inheritance. Affected: yes.

Natera, Inc.
Classification: Benign for Roberts syndrome. Last evaluated: 2020-09-16. Review status: no assertion criteria provided. Collection method: clinical testing. Allele origin: germline. Not counted in ClinVar's aggregate classification.